The following is an entry in ClinVar:

NM_001387994.1(BAG6):c.2724C>G (p.Ala908=)

Gene: BAG6 (BAG cochaperone 6; minus strand). Cytogenetic location: 6p21.33.
Variant type: single nucleotide variant.
Coding change: c.2724C>G on transcript NM_001387994.1 (MANE Select); coding-DNA position 2724, C replaced by G.
Protein change: p.Ala908=; no amino-acid change (alanine 908 retained).
Molecular consequence: synonymous variant.
Genome position (GRCh38, 1-based): chr6:31,641,167, G>C on the plus strand (C>G on the coding strand, the complement: BAG6 is on the minus strand). VCF-style: chr6-31641167-G-C. GRCh37 (hg19) VCF-style: chr6-31608944-G-C.
Other names: c.2562C>G, p.Ala854= (NM_001388004.1, NM_001387944.1, NM_001387964.1 and 2 more transcripts); c.2721C>G, p.Ala907= (NM_001388005.1, NM_001388010.1, NM_001388016.1 and 5 more transcripts); c.2724C>G, p.Ala908= (NM_001388006.1, NM_001388011.1, NM_001388020.1 and 7 more transcripts); c.2613C>G, p.Ala871= (NM_001388007.1, NM_001387949.1, NM_001387955.1 and 4 more transcripts); c.2640C>G, p.Ala880= (NM_001388008.1); c.2643C>G, p.Ala881= (NM_001388009.1); c.2751C>G, p.Ala917= (NM_001388012.1, NM_001387985.1); c.2559C>G, p.Ala853= (NM_001388013.1, NM_001387942.1, NM_001387963.1); and 5 more.
Identifiers: ClinVar variation 2656409 (VCV002656409.24), dbSNP rs763111364, ClinGen allele CA3717176.

ClinVar aggregate classification (germline): Likely benign (1 of 4 stars; one submission).

Allele frequency attached by ClinVar (database versions not stated): gnomAD exomes below 0.00001; TOPMed below 0.00001; ExAC 0.00001; gnomAD 0.00001.
gnomAD v4.1: 7 of 1,613,464 alleles (0.00043%); highest among the groups gnomAD compares: Non-Finnish European, 0.00059%; no homozygotes.

Submission:

CeGaT Center for Human Genetics Tuebingen
Classification: Likely benign. Last evaluated: 2023-02-01. Review status: criteria provided, single submitter. Criteria: CeGaT Center For Human Genetics Tuebingen Variant Classification Criteria Version 2. Collection method: clinical testing. Allele origin: germline. Affected: yes. Observed: 1 variant allele.
Comment: BAG6: BP4, BP7